The following is an entry in ClinVar:

ClinVar aggregate classification (germline): Conflicting classifications of pathogenicity. Review status: criteria provided, conflicting classifications (1 of 4 stars). 3 submissions from 3 submitters: Uncertain significance (1); Likely benign (2). Last evaluated 2026-01-16.

Conditions:
Hereditary breast ovarian cancer syndrome. Also called: Breast and ovarian cancer; BRCA1- and BRCA2-Associated Hereditary Breast and Ovarian Cancer; Hereditary breast and ovarian cancer syndrome (HBOC); Hereditary breast and ovarian cancer; Hereditary breast and/or ovarian cancer syndrome; Hereditary breast and ovarian cancer syndrome. Identifiers: Orphanet 145, MedGen C0677776, MeSH D061325, MONDO:0003582. Disease mechanism: loss of function.

Allele frequency attached by ClinVar (database versions not stated): gnomAD exomes below 0.00001; TOPMed below 0.00001.
gnomAD v4.1: 1 of 1,608,954 alleles (0.000062%); highest among the groups gnomAD compares: Non-Finnish European, 0.000085%; no homozygotes.

Submissions (3):

Labcorp Genetics (formerly Invitae), Labcorp
Classification: Likely benign for Hereditary breast ovarian cancer syndrome. Last evaluated: 2026-01-16. Review status: criteria provided, single submitter. Criteria: Invitae Variant Classification Sherloc (09022015). Collection method: clinical testing. Allele origin: germline.

Women's Health and Genetics/Laboratory Corporation of America, LabCorp
Classification: Likely benign. Last evaluated: 2024-12-17. Review status: criteria provided, single submitter. Criteria: LabCorp Variant Classification Summary - May 2015. Collection method: clinical testing. Allele origin: germline.
Comment: Variant summary: BRCA1 c.441+9A>G alters a non-conserved nucleotide located at a position not widely known to affect splicing. Consensus agreement among computation tools predict no significant impact on normal splicing (TrAP). However, these predictions have yet to be confirmed by functional studies. The variant was absent in 249086 control chromosomes. The available data on variant occurrences in the general population are insufficient to allow any conclusion about variant significance. c.441+9A>G has been reported in the literature in individuals affected with Hereditary Breast And Ovarian Cancer Syndrome (You_2020). These report(s) do not provide unequivocal conclusions about association of the variant with Hereditary Breast And Ovarian Cancer Syndrome. To our knowledge, no experimental evidence demonstrating an impact on protein function has been reported. ClinVar contains an entry for this variant (Variation ID: 496382). Based on the evidence outlined above, the variant was classified as likely benign.

Genetic Services Laboratory, University of Chicago
Classification: Uncertain significance. Last evaluated: 2020-08-27. Review status: criteria provided, single submitter. Criteria: ACMG Guidelines, 2015. Collection method: clinical testing. Allele origin: germline. Affected: no.
Comment: DNA sequence analysis of the BRCA1 gene demonstrated a sequence change in intron 6, c.441+9A>G. This sequence change does not appear to have been previously described in patients with BRCA1-related disorders. It has not been described in the gnomAD database. This sequence change is not clearly predicted to have a deleterious effect on splicing based on in silico splice prediction programs. It is possible that this sequence change represents a benign sequence change in the BRCA1 gene that has not been identified to date. The functional significance of this sequence change is not known at present and its contribution to this patient's disease phenotype cannot definitively be determined.

Literature cited by the submitters: PubMed 32211327 (cited by Women's Health and Genetics/Laboratory Corporation of America, LabCorp).

NM_007294.4(BRCA1):c.441+9A>G

Gene: BRCA1 (BRCA1 DNA repair associated; minus strand). Cytogenetic location: 17q21.31.
Variant type: single nucleotide variant.
Coding change: c.441+9A>G on transcript NM_007294.4 (MANE Select); 9 bases into the intron after coding-DNA position 441, A replaced by G.
Molecular consequence: intron variant.
Genome position (GRCh38, 1-based): chr17:43,104,113, T>C on the plus strand (A>G on the coding strand, the complement: BRCA1 is on the minus strand). VCF-style: chr17-43104113-T-C. GRCh37 (hg19) VCF-style: chr17-41256130-T-C.
Other names: c.300+9A>G (NM_001407931.1, NM_001407747.1, NM_001408470.1 and 99 more transcripts); c.60+9A>G (NM_001407962.1, NM_001408512.1, NM_001408510.1 and 4 more transcripts); c.231+9A>G (NM_001407885.1, NM_001407886.1, NM_001407898.1 and 58 more transcripts); c.441+9A>G (NM_001407686.1, NM_001408397.1, NM_001407632.1 and 164 more transcripts); c.309+9A>G (NM_001408451.1); c.363+9A>G (NM_001408475.1, NM_001407875.1, NM_001407659.1 and 21 more transcripts); c.432+9A>G (NM_001408408.1, NM_001407647.1, NM_001407646.1); c.-218-9253A>G (NM_001407966.1, NM_001407967.1).
Identifiers: ClinVar variation 496382 (VCV000496382.16), dbSNP rs1555596273, ClinGen allele CA658684043.
Genomic context (GRCh38, chr17:43,104,113, plus strand): 5'-ATCTCAAAAAAAAAAAAGAAAAAAAAAAGAAAAGAAGAAGAAGAAGAAGAAGAAAACAAA[T>C]GGTTTTACCAAGGAAGGATTTTCGGGTTCACTCTGTAGAAGTCTTTTGGCACGGTTTCTG-3'